The following is an entry in ClinVar:

NM_007294.4(BRCA1):c.187T>G (p.Leu63Val)

Gene: BRCA1 (BRCA1 DNA repair associated; minus strand). Cytogenetic location: 17q21.31.
Variant type: single nucleotide variant.
Coding change: c.187T>G on transcript NM_007294.4 (MANE Select); coding-DNA position 187, T replaced by G.
Protein change: p.Leu63Val; replaces leucine 63 with valine.
Molecular consequence: missense variant. On other transcripts: 5 prime UTR variant (61), intron variant (34).
Genome position (GRCh38, 1-based): chr17:43,106,481, A>C on the plus strand (T>G on the coding strand, the complement: BRCA1 is on the minus strand). VCF-style: chr17-43106481-A-C. GRCh37 (hg19) VCF-style: chr17-41258498-A-C.
Other names: c.187T>G, p.Leu63Val (NM_001407636.1, NM_001407637.1, NM_001407638.1 and 168 more transcripts); c.-2T>G (NM_001407571.1, NM_001407853.1, NM_001407879.1 and 58 more transcripts); c.46T>G, p.Leu16Val (NM_001407733.1, NM_001407734.1, NM_001407735.1 and 99 more transcripts); c.-218-11621T>G (NM_001407967.1, NM_001407966.1); c.-169-1525T>G (NM_001407959.1, NM_001407962.1, NM_001408512.1 and 4 more transcripts); c.81-1525T>G (NM_001408451.1); c.135-1525T>G (NM_001408475.1, NM_001407875.1, NM_001407659.1 and 21 more transcripts); short protein forms L63V, L16V.
Identifiers: ClinVar variation 865239 (VCV000865239.3), dbSNP rs2054778672, ClinGen allele CA10601790.

Conditions:
Breast-ovarian cancer, familial, susceptibility to, 1 (BROVCA1). Also called: BRCA1 Hereditary Breast and Ovarian Cancer; OVARIAN CANCER, SUSCEPTIBILITY TO. Identifiers: Orphanet 145, MedGen C2676676, MONDO:0011450, OMIM 604370. Disease mechanism: loss of function.

Submission:

Brotman Baty Institute, University of Washington
No classification provided (evidence only). Condition: Breast-ovarian cancer, familial 1. Review status: no classification provided. Collection method: in vitro. Allele origin: not applicable. Functional consequence: functionally_normal.
ClinVar note: "not provided" was previously submitted as the classification for the variant. However, the classification appeared to be based only on an observation of functional data so it was converted to no classification on 2025-07-30.